The following is an entry in ClinVar:

ClinVar aggregate classification (germline): Likely benign (0 of 4 stars; one submission).

Conditions:
PDGFC-related disorder. Also called: PDGFC-related condition.

Allele frequency attached by ClinVar (database versions not stated): ExAC 0.00055; gnomAD 0.00196; ESP Exome Variant Server 0.00215; 1000 Genomes Project 30x 0.00219; 1000 Genomes Project 0.00220; TOPMed 0.00229.
gnomAD v4.1: 594 of 1,613,442 alleles (0.037%); highest among the groups gnomAD compares: African/African-American, 0.67%; 3 homozygotes.

Submission:

PreventionGenetics, part of Exact Sciences
Classification: Likely benign for PDGFC-related condition. Last evaluated: 2020-01-06. Review status: no assertion criteria provided. Collection method: clinical testing. Allele origin: germline.
Comment: This variant is classified as likely benign based on ACMG/AMP sequence variant interpretation guidelines (Richards et al. 2015 PMID: 25741868, with internal and published modifications).

NM_016205.3(PDGFC):c.546A>C (p.Pro182=)

Gene: PDGFC (platelet derived growth factor C; minus strand). Cytogenetic location: 4q32.1.
Variant type: single nucleotide variant.
Coding change: c.546A>C on transcript NM_016205.3 (MANE Select); coding-DNA position 546, A replaced by C.
Protein change: p.Pro182=; no amino-acid change (proline 182 retained).
Molecular consequence: synonymous variant. On other transcripts: non-coding transcript variant (1).
Genome position (GRCh38, 1-based): chr4:156,772,843, T>G on the plus strand (A>C on the coding strand, the complement: PDGFC is on the minus strand). VCF-style: chr4-156772843-T-G. GRCh37 (hg19) VCF-style: chr4-157693995-T-G.
Identifiers: ClinVar variation 3043272 (VCV003043272.2), dbSNP rs114678449, ClinGen allele CA3119461.
Genomic context (GRCh38, chr4:156,772,843, plus strand): 5'-ATATCGAATAAGGTCTTCCAAGGTACTAAAGGCAGTTATAGCATTATTAAGCAGGTCCAG[T>G]GGCAAAGCTGAAGGGGGTAGCACTGAAGGACTCACAGCTTCTGTGAATTGCTGAAAGTAA-3'
Protein context (NP_057289.1, residues 172-192): SPSVLPPSAL[Pro182=]LDLLNNAITA